The following is an entry in ClinVar:

NM_007180.3(TREH):c.1696C>T (p.His566Tyr)

Gene: TREH (trehalase; minus strand). Cytogenetic location: 11q23.3.
Variant type: single nucleotide variant.
Coding change: c.1696C>T on transcript NM_007180.3 (MANE Select); coding-DNA position 1696, C replaced by T.
Protein change: p.His566Tyr; replaces histidine 566 with tyrosine.
Molecular consequence: missense variant.
Genome position (GRCh38, 1-based): chr11:118,658,345, G>A on the plus strand (C>T on the coding strand, the complement: TREH is on the minus strand). VCF-style: chr11-118658345-G-A. GRCh37 (hg19) VCF-style: chr11-118529054-G-A.
Other names: c.1603C>T, p.His535Tyr (NM_001301065.2); short protein forms H566Y, H535Y.
Identifiers: ClinVar variation 2356058 (VCV002356058.5), dbSNP rs200772007, ClinGen allele CA6307665.

ClinVar aggregate classification (germline): Uncertain significance. Review status: criteria provided, single submitter (1 of 4 stars). 2 submissions from 2 submitters: Uncertain significance (1). 1 of the submissions does not count toward it. Last evaluated 2025-01-15.

Conditions:
TREH-related disorder. Also called: TREH-related condition.

Allele frequency attached by ClinVar (database versions not stated): ExAC 0.00012; 1000 Genomes Project 0.00020; TOPMed 0.00025; gnomAD 0.00029; 1000 Genomes Project 30x 0.00031; ESP Exome Variant Server 0.00031; gnomAD exomes 0.00040.
gnomAD v4.1: 614 of 1,600,052 alleles (0.038%); highest among the groups gnomAD compares: Non-Finnish European, 0.049%; no homozygotes.

Submissions (2):

Ambry Genetics
Classification: Uncertain significance. Last evaluated: 2025-01-15. Review status: criteria provided, single submitter. Criteria: Ambry Variant Classification Scheme 2023. Collection method: clinical testing. Allele origin: germline.

PreventionGenetics, part of Exact Sciences
Classification: Likely benign for TREH-related condition. Last evaluated: 2020-02-04. Review status: no assertion criteria provided. Collection method: clinical testing. Allele origin: germline. Not counted in ClinVar's aggregate classification.
Comment: This variant is classified as likely benign based on ACMG/AMP sequence variant interpretation guidelines (Richards et al. 2015 PMID: 25741868, with internal and published modifications).